The following is an entry in ClinVar:

NM_001127222.2(CACNA1A):c.5328C>G (p.Ile1776Met)

Gene: CACNA1A (calcium voltage-gated channel subunit alpha1 A; minus strand). Cytogenetic location: 19p13.13.
Variant type: single nucleotide variant.
Coding change: c.5328C>G on transcript NM_001127222.2 (MANE Select); coding-DNA position 5328, C replaced by G.
Protein change: p.Ile1776Met; replaces isoleucine 1776 with methionine.
Molecular consequence: missense variant.
Genome position (GRCh38, 1-based): chr19:13,231,782, G>C on the plus strand (C>G on the coding strand, the complement: CACNA1A is on the minus strand). VCF-style: chr19-13231782-G-C. GRCh37 (hg19) VCF-style: chr19-13342596-G-C.
Other names: c.5346C>G, p.Ile1782Met (NM_000068.4, NM_023035.3); c.5331C>G, p.Ile1777Met (NM_001127221.2); c.5337C>G, p.Ile1779Met (NM_001174080.2); short protein forms I1779M, I1782M, I1776M, I1777M.
Identifiers: ClinVar variation 2934856 (VCV002934856.3), dbSNP rs2512626927, ClinGen allele CA404334566.

ClinVar aggregate classification (germline): Uncertain significance (1 of 4 stars; one submission).

Conditions:
Episodic ataxia type 2 (EA2). Also called: CEREBELLAR ATAXIA, PAROXYSMAL, ACETAZOLAMIDE-RESPONSIVE; CEREBELLOPATHY, HEREDITARY PAROXYSMAL; EPISODIC ATAXIA, NYSTAGMUS-ASSOCIATED; ACETAZOLAMIDE-RESPONSIVE HEREDITARY PAROXYSMAL CEREBELLAR ATAXIA; ATAXIA, EPISODIC, WITH NYSTAGMUS; ATAXIA, FAMILIAL PAROXYSMAL. Identifiers: Orphanet 97, MedGen C1720416, MONDO:0007163, OMIM 108500.
Developmental and epileptic encephalopathy, 42 (DEE42A). Also called: Epileptic encephalopathy, early infantile, 42; DEVELOPMENTAL AND EPILEPTIC ENCEPHALOPATHY 42A; EPILEPTIC ENCEPHALOPATHY, EARLY INFANTILE, 42A. Identifiers: MedGen C4310716, MONDO:0014917, OMIM 617106.

Submission:

Labcorp Genetics (formerly Invitae), Labcorp
Classification: Uncertain significance for Developmental and epileptic encephalopathy, 42; Episodic ataxia type 2. Last evaluated: 2023-10-10. Review status: criteria provided, single submitter. Criteria: Invitae Variant Classification Sherloc (09022015). Collection method: clinical testing. Allele origin: germline.
Comment: This sequence change replaces isoleucine, which is neutral and non-polar, with methionine, which is neutral and non-polar, at codon 1777 of the CACNA1A protein (p.Ile1777Met). This variant is not present in population databases (gnomAD no frequency). This variant has not been reported in the literature in individuals affected with CACNA1A-related conditions. Advanced modeling of protein sequence and biophysical properties (such as structural, functional, and spatial information, amino acid conservation, physicochemical variation, residue mobility, and thermodynamic stability) performed at Invitae indicates that this missense variant is not expected to disrupt CACNA1A protein function. In summary, the available evidence is currently insufficient to determine the role of this variant in disease. Therefore, it has been classified as a Variant of Uncertain Significance.